The following is an entry in ClinVar:

ClinVar aggregate classification (germline): Uncertain significance. Review status: criteria provided, multiple submitters, no conflicts (2 of 4 stars). 3 submissions from 3 submitters: Uncertain significance (3). Last evaluated 2026-08-03.

Conditions:
Intellectual disability-facial dysmorphism syndrome due to SETD5 haploinsufficiency (MRD23). Also called: Intellectual developmental disorder, autosomal dominant 23. Identifiers: Orphanet 404440, MedGen C3810406, MONDO:0014336, OMIM 615761.
Inborn genetic diseases. Identifiers: MedGen C0950123, MeSH D030342.

Allele frequency attached by ClinVar (database versions not stated): gnomAD 0.00001.
gnomAD v4.1: 16 of 1,613,776 alleles (0.00099%); highest among the groups gnomAD compares: Admixed American, 0.0017%; no homozygotes.

Submissions (3):

Ambry Genetics
Classification: Uncertain significance for Inborn genetic diseases. Last evaluated: 2026-08-03. Review status: criteria provided, single submitter. Criteria: Ambry Variant Classification Scheme 2023. Collection method: clinical testing. Allele origin: germline.

Revvity Omics, Revvity
Classification: Uncertain significance for Intellectual disability-facial dysmorphism syndrome due to SETD5 haploinsufficiency. Last evaluated: 2025-01-07. Review status: criteria provided, single submitter. Criteria: ACMG Guidelines, 2015. Collection method: clinical testing. Allele origin: germline.

New York Genome Center
Classification: Uncertain significance for Intellectual disability-facial dysmorphism syndrome due to SETD5 haploinsufficiency. Last evaluated: 2021-07-23. Review status: criteria provided, single submitter. Criteria: NYGC Assertion Criteria 2020. Collection method: clinical testing. Allele origin: inherited. Observed: 1 heterozygote. Study: CSER-NYCKidSeq.
Comment: The inherited heterozygous c.3362G>A (p.Arg1121Gln) missense variant identified in the SETD5 gene has not been reported in affected individuals in the literature. The variant has 0.00001315 allele frequency in the gnomAD(v3) database (2 out of 152088 heterozygous alleles, no homozygotes)suggesting it is not a common benign variant in the populations represented in that database. The variant affects an evolutionarily conserved residue. In silico tools provide conflicting predictions about potential pathogenicity of this variant (CADD score = 22.8, REVEL score = 0.273). Based on the available evidence, the inherited heterozygous c.3362G>A (p.Arg1121Gln) missense variant identified in the SETD5 gene is reported as a Variant of UncertainSignificance.

NM_001080517.3(SETD5):c.3362G>A (p.Arg1121Gln)

Gene: SETD5 (SET domain containing 5; plus strand). Cytogenetic location: 3p25.3.
Variant type: single nucleotide variant.
Coding change: c.3362G>A on transcript NM_001080517.3 (MANE Select); coding-DNA position 3362, G replaced by A.
Protein change: p.Arg1121Gln; replaces arginine 1121 with glutamine.
Molecular consequence: missense variant.
Genome position (GRCh38, 1-based): chr3:9,473,402, G>A. VCF-style: chr3-9473402-G-A. GRCh37 (hg19) VCF-style: chr3-9515086-G-A.
Other names: c.3068G>A, p.Arg1023Gln (NM_001292043.2, NM_001349451.2); c.3362G>A (NM_001080517.1); short protein forms R1023Q, R1121Q.
Identifiers: ClinVar variation 1696597 (VCV001696597.3), dbSNP rs753829449, ClinGen allele CA69951118.